The following is an entry in ClinVar:

ClinVar aggregate classification (germline): Likely benign. Review status: criteria provided, multiple submitters, no conflicts (2 of 4 stars). 3 submissions from 3 submitters: Likely benign (3). Last evaluated 2023-11-27.

Conditions:
Catecholaminergic polymorphic ventricular tachycardia (CVPT). Also called: Catecholamine-induced polymorphic ventricular tachycardia. Identifiers: Orphanet 3286, MedGen C5574922, MONDO:0017990.
Catecholaminergic polymorphic ventricular tachycardia 1. Also called: VENTRICULAR TACHYCARDIA, CATECHOLAMINERGIC POLYMORPHIC, 1, WITH OR WITHOUT ATRIAL DYSFUNCTION AND/OR DILATED CARDIOMYOPATHY; RYR2-Related Catecholaminergic Polymorphic Ventricular Tachycardia; VENTRICULAR TACHYCARDIA, STRESS-INDUCED POLYMORPHIC 1. Identifiers: Orphanet 3286, MedGen C1631597, MONDO:0011484, OMIM 604772.
Cardiomyopathy (CMYO). Also called: Cardiomyopathies. Identifiers: Orphanet 167848, MedGen C0878544, MONDO:0004994, HP:0001638. Inheritance: Various modes of inheritance.

Allele frequency attached by ClinVar (database versions not stated): gnomAD exomes below 0.00001; ExAC 0.00001.
gnomAD v4.1: 1 of 1,586,236 alleles (0.000063%); highest among the groups gnomAD compares: Admixed American, 0.0018%; no homozygotes.

Submissions (3):

Labcorp Genetics (formerly Invitae), Labcorp
Classification: Likely benign for Catecholaminergic polymorphic ventricular tachycardia 1. Last evaluated: 2023-11-27. Review status: criteria provided, single submitter. Criteria: Invitae Variant Classification Sherloc (09022015). Collection method: clinical testing. Allele origin: germline.

All of Us Research Program, National Institutes of Health
Classification: Likely benign for Catecholaminergic polymorphic ventricular tachycardia. Last evaluated: 2023-03-09. Review status: criteria provided, single submitter. Criteria: ACMG Guidelines, 2015. Collection method: clinical testing. Allele origin: germline. Inheritance: Autosomal dominant inheritance. Observed: 1 variant allele, 1 heterozygote.
Comment: This study involves interpretation of variants in research participants for the purpose of population health screening. Participant phenotype was not available at the time of variant classification. Additional details can be found in publication PMID: 35346344, PMCID: PMC8962531

Color Diagnostics, LLC DBA Color Health
Classification: Likely benign for Cardiomyopathy. Last evaluated: 2022-11-06. Review status: criteria provided, single submitter. Criteria: ACMG Guidelines, 2015. Collection method: clinical testing. Allele origin: germline.

NM_001035.3(RYR2):c.8268A>G (p.Leu2756=)

Gene: RYR2 (ryanodine receptor 2; plus strand). Cytogenetic location: 1q43.
Variant type: single nucleotide variant.
Coding change: c.8268A>G on transcript NM_001035.3 (MANE Select); coding-DNA position 8268, A replaced by G.
Protein change: p.Leu2756=; no amino-acid change (leucine 2756 retained).
Molecular consequence: synonymous variant.
Genome position (GRCh38, 1-based): chr1:237,660,044, A>G. VCF-style: chr1-237660044-A-G. GRCh37 (hg19) VCF-style: chr1-237823344-A-G.
Identifiers: ClinVar variation 2741999 (VCV002741999.5), dbSNP rs746645236, ClinGen allele CA087593.